The following is an entry in ClinVar:

ClinVar aggregate classification (germline): Uncertain significance. Review status: criteria provided, multiple submitters, no conflicts (2 of 4 stars). 2 submissions from 2 submitters: Uncertain significance (2). Last evaluated 2025-09-08.

Conditions:
Hereditary cancer-predisposing syndrome. Also called: Hereditary neoplastic syndrome; Neoplastic Syndromes, Hereditary; Tumor predisposition; Hereditary Cancer Syndrome. Identifiers: Orphanet 140162, MedGen C0027672, MeSH D009386, MONDO:0015356.
Neuroblastoma, susceptibility to, 3. Also called: ALK-Related Neuroblastic Tumor Susceptibility. Identifiers: Orphanet 635, MedGen C2751681, MONDO:0013083, OMIM 613014.

Allele frequency attached by ClinVar (database versions not stated): TOPMed below 0.00001; ExAC 0.00001; gnomAD exomes 0.00001.
gnomAD v4.1: 4 of 1,614,194 alleles (0.00025%); highest among the groups gnomAD compares: Admixed American, 0.0033%; no homozygotes.

Submissions (2):

Labcorp Genetics (formerly Invitae), Labcorp
Classification: Uncertain significance for Neuroblastoma, susceptibility to, 3. Last evaluated: 2025-09-08. Review status: criteria provided, single submitter. Criteria: Invitae Variant Classification Sherloc (09022015). Collection method: clinical testing. Allele origin: germline.
Comment: This sequence change replaces asparagine, which is neutral and polar, with lysine, which is basic and polar, at codon 654 of the ALK protein (p.Asn654Lys). This variant is present in population databases (rs755124993, gnomAD 0.006%). This variant has not been reported in the literature in individuals affected with ALK-related conditions. ClinVar contains an entry for this variant (Variation ID: 470777). An algorithm developed to predict the effect of missense changes on protein structure and function (PolyPhen-2) suggests that this variant is likely to be disruptive. In summary, the available evidence is currently insufficient to determine the role of this variant in disease. Therefore, it has been classified as a Variant of Uncertain Significance.

Ambry Genetics
Classification: Uncertain significance for Hereditary cancer-predisposing syndrome. Last evaluated: 2024-05-10. Review status: criteria provided, single submitter. Criteria: Ambry Variant Classification Scheme 2023. Collection method: clinical testing. Allele origin: germline.
Comment: The p.N654K variant (also known as c.1962C>A), located in coding exon 11 of the ALK gene, results from a C to A substitution at nucleotide position 1962. The asparagine at codon 654 is replaced by lysine, an amino acid with similar properties. This amino acid position is conserved. In addition, this alteration is predicted to be tolerated by in silico analysis. Since supporting evidence is limited at this time, the clinical significance of this alteration remains unclear.

NM_004304.5(ALK):c.1962C>A (p.Asn654Lys)

Gene: ALK (ALK receptor tyrosine kinase; minus strand). Cytogenetic location: 2p23.2.
Variant type: single nucleotide variant.
Coding change: c.1962C>A on transcript NM_004304.5 (MANE Select); coding-DNA position 1962, C replaced by A.
Protein change: p.Asn654Lys; replaces asparagine 654 with lysine.
Molecular consequence: missense variant.
Genome position (GRCh38, 1-based): chr2:29,275,178, G>T on the plus strand (C>A on the coding strand, the complement: ALK is on the minus strand). VCF-style: chr2-29275178-G-T. GRCh37 (hg19) VCF-style: chr2-29498044-G-T.
Other names: short protein forms N654K.
Identifiers: ClinVar variation 470777 (VCV000470777.14), dbSNP rs755124993, ClinGen allele CA1594475.